The following is an entry in ClinVar:

ClinVar aggregate classification (germline): Uncertain significance (1 of 4 stars; one submission).

Submission:

Dasa
Classification: Uncertain significance. Last evaluated: 2026-05-22. Review status: criteria provided, single submitter. Criteria: DASA Assertion Criteria. Collection method: clinical testing. Allele origin: germline.
Comment: NM_003336.4(UBE2A):c.95A>G (p.Asn32Ser) is a missense variant that results in the substitution of asparagine with serine. This variant is rare in population databases. The currently available literature and clinical evidence are not sufficient to establish a definitive association between this variant and the reported condition. Therefore, this variant is classified as a variant of uncertain significance.

NM_003336.4(UBE2A):c.95A>G (p.Asn32Ser)

Gene: UBE2A (ubiquitin conjugating enzyme E2 A; plus strand). Cytogenetic location: Xq24.
Variant type: single nucleotide variant.
Coding change: c.95A>G on transcript NM_003336.4 (MANE Select); coding-DNA position 95, A replaced by G.
Protein change: p.Asn32Ser; replaces asparagine 32 with serine.
Molecular consequence: missense variant. On other transcripts: 5 prime UTR variant (1).
Genome position (GRCh38, 1-based): chrX:119,574,951, A>G. VCF-style: chrX-119574951-A-G. GRCh37 (hg19) VCF-style: chrX-118708914-A-G.
Other names: c.-5A>G (NM_001282161.2); c.95A>G, p.Asn32Ser (NM_181762.3); short protein forms N32S.
Identifiers: ClinVar variation 5020499 (VCV005020499.1).